The following is an entry in ClinVar:

ClinVar aggregate classification (germline): Conflicting classifications of pathogenicity. Review status: criteria provided, conflicting classifications (1 of 4 stars). 3 submissions from 3 submitters: Uncertain significance (1); Likely benign (2). Last evaluated 2026-01-28.

Conditions:
Inborn genetic diseases. Identifiers: MedGen C0950123, MeSH D030342.
Holoprosencephaly 5 (HPE5). Identifiers: Orphanet 2162, MedGen C1864827, MONDO:0012322, OMIM 609637.

Submissions (3):

Labcorp Genetics (formerly Invitae), Labcorp
Classification: Uncertain significance for Holoprosencephaly 5. Last evaluated: 2026-01-28. Review status: criteria provided, single submitter. Criteria: Invitae Variant Classification Sherloc (09022015). Collection method: clinical testing. Allele origin: germline.
Comment: This variant, c.1401_1406dup, results in the insertion of 2 amino acid(s) of the ZIC2 protein (p.Ala469_Ala470dup), but otherwise preserves the integrity of the reading frame. The frequency data for this variant in the population databases is considered unreliable, as metrics indicate poor data quality at this position in the gnomAD database. This variant has been observed in individual(s) with holoprosencephaly (PMID: 19955556, 22847929). Experimental studies and prediction algorithms are not available or were not evaluated, and the functional significance of this variant is currently unknown. In summary, the available evidence is currently insufficient to determine the role of this variant in disease. Therefore, it has been classified as a Variant of Uncertain Significance.

Blueprint Genetics
Classification: Likely benign. Last evaluated: 2024-11-13. Review status: criteria provided, single submitter. Criteria: ACMG Guidelines, 2015. Collection method: clinical testing. Allele origin: germline.

Ambry Genetics
Classification: Likely benign for Inborn genetic diseases. Last evaluated: 2023-11-01. Review status: criteria provided, single submitter. Criteria: Ambry Variant Classification Scheme 2023. Collection method: clinical testing. Allele origin: germline.

Literature cited by the submitters: PubMed 19955556 (cited by Labcorp Genetics (formerly Invitae), Labcorp); PubMed 22847929 (cited by Labcorp Genetics (formerly Invitae), Labcorp).

NM_007129.5(ZIC2):c.1395GGC[6] (p.Ala469_Ala470dup)

Genes: ZIC2 (Zic family zinc finger 2; plus strand), LOC110008580 (Zic family member 2 polyalanine repeat instability region; plus strand). Cytogenetic location: 13q32.3.
Variant type: Microsatellite.
Coding change: c.1395GGC[6] on transcript NM_007129.5 (MANE Select); six copies in a row of the 3-base unit GGC starting at c.1395; the reference has four copies in a row; two copies, 6 bases duplicated.
Protein change: p.Ala469_Ala470dup.
Molecular consequence: inframe insertion.
Genome position (GRCh38, 1-based): chr13:99,985,484-99,985,489, GGCGGC duplicated; duplicating any 6 consecutive bases within chr13:99,985,476-99,985,489 gives the same sequence; the position shown is the placement nearest the transcript's 3' end. VCF-style (leftmost placement, unchanged base first): chr13-99985475-T-TGCGGCG. GRCh37 (hg19) VCF-style: chr13-100637729-T-TGCGGCG.
Other names: c.1401_1406dupGGCGGC (NM_007129.3).
Identifiers: ClinVar variation 1393943 (VCV001393943.9), dbSNP rs753250735, ClinGen allele CA7032998.
Genomic context (GRCh38, chr13:99,985,475, plus strand): 5'-CGCCGAGCCCCAGAGCAGCTCCAACCTGTCCCCAGCGGCGGCGGCAGCGGCGGCGGCGGC[T>TGCGGCG]GCGGCGGCGGCGGCCGCGGTGTCCGCGGTGCACCGGGGCGGAGGCTCGGGCAGTGGCGGC-3'